The following is an entry in ClinVar:

NM_003194.5(TBP):c.222_224del (p.Gln95del)

Genes: TBP (TATA-box binding protein; plus strand), LOC108663996 (TATA-box binding protein repeat instability region; plus strand). Cytogenetic location: 6q27.
Variant type: Deletion.
Coding change: c.222_224del on transcript NM_003194.5 (MANE Select); coding-DNA positions 222 to 224, 3 bases deleted (ACA; older notation c.222_224delACA).
Protein change: p.Gln95del; deletes glutamine 95.
Molecular consequence: inframe deletion.
Genome position (GRCh38, 1-based): chr6:170,561,958-170,561,960, ACA deleted; deleting any 3 consecutive bases within chr6:170,561,956-170,561,960 gives the same sequence; the c. name uses the placement nearest the transcript's 3' end. VCF-style (leftmost placement, unchanged base first): chr6-170561955-GCAA-G. GRCh37 (hg19) VCF-style: chr6-170871043-GCAA-G.
Other names: c.162_164del, p.Gln75del (NM_001172085.2); short protein forms Q75del, Q95del.
Identifiers: ClinVar variation 1050369 (VCV001050369.1), dbSNP rs1562359513, ClinGen allele CA453616187.
Genomic context (GRCh38, chr6:170,561,955, plus strand): 5'-AGAGCAACAAAGGCAGCAGCAGCAACAACAACAGCAGCAGCAGCAGCAGCAGCAGCAACA[GCAA>G]CAGCAGCAGCAGCAGCAGCAGCAGCAGCAGCAGCAGCAGCAGCAGCAGCAGCAGCAGCAA-3'

ClinVar aggregate classification (germline): Benign (0 of 4 stars; one submission).

Submission:

Department of Pathology and Laboratory Medicine, Sinai Health System
Classification: Benign. Review status: no assertion criteria provided. Collection method: clinical testing. Allele origin: unknown. Affected: yes. Study: The Canadian Open Genetics Repository (COGR).
Comment: The TBP p.Gln75del variant was not identified in the literature nor was it identified in dbSNP, Cosmic or LOVD 3.0. The variant was identified in ClinVar (classified as benign by Genome Diagnostics Laboratory, University Medical Center Utrecht and DNA and Cytogenetics Diagnostics Unit, Erasmus Medical Center) and in control databases in 3 of 215972 chromosomes at a frequency of 0.000014 (Genome Aggregation Database Feb 27, 2017). The variant was observed in the European (non-Finnish) population in 3 of 97710 chromosomes (freq: 0.000031), but not in the African, Latino, Ashkenazi Jewish, East Asian, European (Finnish), Other, and South Asian populations. This variant is an in-frame deletion resulting in the removal of a glutamine (gln) residue at codon 75; this deletion occurs within a CAG repeat region and is within the normal range of 25 to 42 repeats. In summary, based on the above information this variant meets our laboratory's criteria to be classified as benign.